The following is an entry in ClinVar:

ClinVar aggregate classification (germline): Likely pathogenic (1 of 4 stars; one submission).

Submission:

Labcorp Genetics (formerly Invitae), Labcorp
Classification: Likely pathogenic. Last evaluated: 2024-07-22. Review status: criteria provided, single submitter. Criteria: Invitae Variant Classification Sherloc (09022015). Collection method: clinical testing. Allele origin: germline.
Comment: This sequence change affects a donor splice site in intron 7 of the COQ8A gene. It is expected to disrupt RNA splicing. Variants that disrupt the donor or acceptor splice site typically lead to a loss of protein function (PMID: 16199547), and loss-of-function variants in COQ8A are known to be pathogenic (PMID: 18319074, 20580948). This variant is not present in population databases (gnomAD no frequency). This variant has not been reported in the literature in individuals affected with COQ8A-related conditions. Algorithms developed to predict the effect of sequence changes on RNA splicing suggest that this variant may disrupt the consensus splice site. In summary, the currently available evidence indicates that the variant is pathogenic, but additional data are needed to prove that conclusively. Therefore, this variant has been classified as Likely Pathogenic.

Literature cited by the submitters: PubMed 16199547; PubMed 18319074; PubMed 20580948.

NM_020247.5(COQ8A):c.939+2T>C

Gene: COQ8A (coenzyme Q8A; plus strand). Cytogenetic location: 1q42.13.
Variant type: single nucleotide variant.
Coding change: c.939+2T>C on transcript NM_020247.5 (MANE Select); the canonical splice donor site of the intron after coding-DNA position 939, T replaced by C.
Molecular consequence: splice donor variant.
Genome position (GRCh38, 1-based): chr1:226,982,765, T>C. VCF-style: chr1-226982765-T-C. GRCh37 (hg19) VCF-style: chr1-227170466-T-C.
Identifiers: ClinVar variation 3660208 (VCV003660208.2).